The following is an entry in ClinVar:

ClinVar aggregate classification (germline): Uncertain significance (1 of 4 stars; one submission).

Conditions:
Mucopolysaccharidosis, MPS-III-C (MPS3C). Also called: SANFILIPPO SYNDROME C; MPS III C; mucopolysaccharidosis type 3C; MUCOPOLYSACCHARIDOSIS, TYPE IIIC; MPS IIIC (Sanfilippo Syndrome Type C); Mucopolysaccharidosis type IIIC (Sanfilippo C). Identifiers: Orphanet 581, Orphanet 79271, MedGen C0086649, MONDO:0009657, OMIM 252930.
Retinitis pigmentosa 73 (RP73). Identifiers: Orphanet 791, MedGen C4225287, MONDO:0014687, OMIM 616544.

Submission:

Labcorp Genetics (formerly Invitae), Labcorp
Classification: Uncertain significance for Retinitis pigmentosa 73; Mucopolysaccharidosis, MPS-III-C. Last evaluated: 2022-03-14. Review status: criteria provided, single submitter. Criteria: Invitae Variant Classification Sherloc (09022015). Collection method: clinical testing. Allele origin: germline.
Comment: In summary, the available evidence is currently insufficient to determine the role of this variant in disease. Therefore, it has been classified as a Variant of Uncertain Significance. Algorithms developed to predict the effect of missense changes on protein structure and function are either unavailable or do not agree on the potential impact of this missense change (SIFT: "Deleterious"; PolyPhen-2: "Possibly Damaging"; Align-GVGD: "Class C0"). This variant has not been reported in the literature in individuals affected with HGSNAT-related conditions. This variant is not present in population databases (gnomAD no frequency). This sequence change replaces aspartic acid, which is acidic and polar, with glutamic acid, which is acidic and polar, at codon 385 of the HGSNAT protein (p.Asp385Glu).

NM_152419.3(HGSNAT):c.1155C>G (p.Asp385Glu)

Gene: HGSNAT (heparan-alpha-glucosaminide N-acetyltransferase; plus strand). Cytogenetic location: 8p11.21.
Variant type: single nucleotide variant.
Coding change: c.1155C>G on transcript NM_152419.3 (MANE Select); coding-DNA position 1155, C replaced by G.
Protein change: p.Asp385Glu; replaces aspartic acid 385 with glutamic acid.
Molecular consequence: missense variant.
Genome position (GRCh38, 1-based): chr8:43,191,500, C>G. VCF-style: chr8-43191500-C-G. GRCh37 (hg19) VCF-style: chr8-43046643-C-G.
Other names: c.1155C>G, p.Asp385Glu (NM_001363227.2); c.963C>G, p.Asp321Glu (NM_001363228.2); c.291C>G, p.Asp97Glu (NM_001363229.2); short protein forms D321E, D385E, D97E.
Identifiers: ClinVar variation 2112004 (VCV002112004.4), dbSNP rs768343523, ClinGen allele CA371118998.